The following is an entry in ClinVar:

NM_004287.5(GOSR2):c.1A>C (p.Met1Leu)

Genes: GOSR2 (golgi SNAP receptor complex member 2; plus strand), LRRC37A2 (leucine rich repeat containing 37 member A2). Cytogenetic location: 17q21.32.
Variant type: single nucleotide variant.
Coding change: c.1A>C on transcript NM_004287.5 (MANE Select); coding-DNA position 1, A replaced by C.
Protein change: p.Met1Leu; changes the start codon (methionine 1).
Molecular consequence: missense variant, initiator codon variant. On other transcripts: 5 prime UTR variant (2), non-coding transcript variant (3).
Genome position (GRCh38, 1-based): chr17:46,923,193, A>C. VCF-style: chr17-46923193-A-C. GRCh37 (hg19) VCF-style: chr17-45000559-A-C.
Other names: c.1A>C, p.Met1Leu (NM_001012511.3, NM_001321133.2, NM_001330252.2 and 4 more transcripts); c.-102A>C (NM_001321134.2); c.-465A>C (NM_001363851.2); short protein forms M1L.
Identifiers: ClinVar variation 2501009 (VCV002501009.3), dbSNP rs879328855, ClinGen allele CA400015669.

ClinVar aggregate classification (germline): Likely pathogenic. Review status: criteria provided, single submitter (1 of 4 stars). 2 submissions from 2 submitters: Likely pathogenic (1). 1 of the submissions does not count toward it. Last evaluated 2023-04-17.

Conditions:
Hearing loss, autosomal recessive. Also called: Deafness, autosomal recessive; Nonsyndromic Hearing Loss, Recessive; Autosomal recessive nonsyndromic deafness; Rare autosomal recessive non-syndromic sensorineural deafness type DFNB. Identifiers: Orphanet 90635, Orphanet 90636, MedGen C1846647, MONDO:0019588, OMIM 607197.

gnomAD v4.1: 2 of 1,545,910 alleles (0.00013%); highest among the groups gnomAD compares: Non-Finnish European, 0.00018%; no homozygotes.

Submissions (2):

King Laboratory, University of Washington
Classification: Likely pathogenic for Deafness, autosomal recessive. Last evaluated: 2023-04-17. Review status: criteria provided, single submitter. Criteria: Li et al. (Genet Med. 2022). Collection method: research. Allele origin: germline. Inheritance: Autosomal recessive inheritance. Affected: yes. Observed: 1 homozygote.
Comment: GOSR2 c.1A>C, p.Met1Leu is homozygous in four Palestinian children with congenital recessive profound hearing loss with no severe syndromic features, and heterozygous or not present in their unaffected parents and siblings. GOSR2 c.1A>C protein levels are reduced to ~5% of normal levels. The variant is not seen in any of ~2000 controls of Palestinian ancestry and as of April 2023, this variant has not been reported to ClinVar and is found in one heterozygote on gnomAD v3. (Aburayyan, Carlson, et al. Hum Molec Genet. 2023; PMID 30704134).

OMIM
Classification: Uncertain significance for VARIANT OF UNKNOWN SIGNIFICANCE. Last evaluated: 2024-02-14. Review status: no assertion criteria provided. Collection method: literature only. Allele origin: germline. Not counted in ClinVar's aggregate classification.

Literature cited by the submitters: PubMed 37074134 (cited by OMIM).